The following is an entry in ClinVar:

NM_001098511.3(KIF2A):c.349C>T (p.Arg117Cys)

Gene: KIF2A (kinesin family member 2A; plus strand). Cytogenetic location: 5q12.1.
Variant type: single nucleotide variant.
Coding change: c.349C>T on transcript NM_001098511.3 (MANE Select); coding-DNA position 349, C replaced by T.
Protein change: p.Arg117Cys; replaces arginine 117 with cysteine.
Molecular consequence: missense variant.
Genome position (GRCh38, 1-based): chr5:62,352,602, C>T. VCF-style: chr5-62352602-C-T. GRCh37 (hg19) VCF-style: chr5-61648429-C-T.
Other names: c.268C>T, p.Arg90Cys (NM_001243952.2); c.349C>T, p.Arg117Cys (NM_001243953.2, NM_004520.5); short protein forms R117C, R90C.
Identifiers: ClinVar variation 1897099 (VCV001897099.5), dbSNP rs1220425782, ClinGen allele CA359948822.
Genomic context (GRCh38, chr5:62,352,602, plus strand): 5'-ACTAATTTTCTATCCTGAATTTAAAATTTTTTTTTTTTACTTACAGTGGTTGGTTCAGCA[C>T]GTGCACGGCCCAGTCAATTTCCTGAACAGTCTTCCTCTGCACAACAGAATGGTAGTGTTT-3'
Protein context (NP_001091981.1, residues 107-127): SRDNRVVGSA[Arg117Cys]ARPSQFPEQS

ClinVar aggregate classification (germline): Uncertain significance (1 of 4 stars; one submission).

Allele frequency attached by ClinVar (database versions not stated): gnomAD exomes below 0.00001.
gnomAD v4.1: 4 of 1,577,928 alleles (0.00025%); highest among the groups gnomAD compares: Non-Finnish European, 0.00017%; no homozygotes.

Submission:

Labcorp Genetics (formerly Invitae), Labcorp
Classification: Uncertain significance. Last evaluated: 2022-09-22. Review status: criteria provided, single submitter. Criteria: Invitae Variant Classification Sherloc (09022015). Collection method: clinical testing. Allele origin: germline.
Comment: In summary, the available evidence is currently insufficient to determine the role of this variant in disease. Therefore, it has been classified as a Variant of Uncertain Significance. Algorithms developed to predict the effect of missense changes on protein structure and function are either unavailable or do not agree on the potential impact of this missense change (SIFT: "Tolerated"; PolyPhen-2: "Possibly Damaging"; Align-GVGD: "Class C15"). This variant has not been reported in the literature in individuals affected with KIF2A-related conditions. The frequency data for this variant in the population databases is considered unreliable, as metrics indicate poor data quality at this position in the gnomAD database. This sequence change replaces arginine, which is basic and polar, with cysteine, which is neutral and slightly polar, at codon 117 of the KIF2A protein (p.Arg117Cys).